The following is an entry in ClinVar:

NM_001378615.1(CC2D2A):c.2456C>A (p.Pro819Gln)

Genes: CC2D2A (coiled-coil and C2 domain containing 2A; plus strand), FBXL5 (F-box and leucine rich repeat protein 5; minus strand). Cytogenetic location: 4p15.32.
Variant type: single nucleotide variant.
Coding change: c.2456C>A on transcript NM_001378615.1 (MANE Select); coding-DNA position 2456, C replaced by A.
Protein change: p.Pro819Gln; replaces proline 819 with glutamine.
Molecular consequence: missense variant.
Genome position (GRCh38, 1-based): chr4:15,553,275, C>A. VCF-style: chr4-15553275-C-A. GRCh37 (hg19) VCF-style: chr4-15554898-C-A.
Other names: c.2456C>A, p.Pro819Gln (NM_001080522.2); c.2309C>A, p.Pro770Gln (NM_001378617.1); short protein forms P819Q, P770Q.
Identifiers: ClinVar variation 939789 (VCV000939789.8), dbSNP rs1719100127, ClinGen allele CA356419553.

ClinVar aggregate classification (germline): Uncertain significance. Review status: criteria provided, multiple submitters, no conflicts (2 of 4 stars). 2 submissions from 2 submitters: Uncertain significance (2). Last evaluated 2024-06-13.

Conditions:
Meckel-Gruber syndrome. Also called: Dysencephalia splachnocystica; DYSENCEPHALIA SPLANCHNOCYSTICA; GRUBER SYNDROME. Identifiers: Orphanet 564, MedGen C0265215, MONDO:0018921.
Joubert syndrome. Also called: Familial aplasia of the vermis; JOUBERT-BOLTSHAUSER SYNDROME. Identifiers: Orphanet 475, MedGen C5979921, MONDO:0018772.
Meckel syndrome, type 6. Identifiers: Orphanet 564, MedGen C2676790, MONDO:0012848, OMIM 612284.
Joubert syndrome 9 (JBTS9). Identifiers: Orphanet 2318, MedGen C2676788, MONDO:0012849, OMIM 612285.
Retinitis pigmentosa 93. Identifiers: MedGen C5676970, MONDO:0030797, OMIM 619845.
COACH syndrome 2. Identifiers: MedGen C5436837, MONDO:0030859, OMIM 619111.

Allele frequency attached by ClinVar (database versions not stated): TOPMed below 0.00001.

Submissions (2):

Fulgent Genetics
Classification: Uncertain significance for Meckel syndrome, type 6; Joubert syndrome 9; COACH syndrome 2; Retinitis pigmentosa 93. Last evaluated: 2024-06-13. Review status: criteria provided, single submitter. Criteria: ACMG Guidelines, 2015. Collection method: clinical testing. Allele origin: germline.

Labcorp Genetics (formerly Invitae), Labcorp
Classification: Uncertain significance for Joubert syndrome; Meckel-Gruber syndrome. Last evaluated: 2022-06-04. Review status: criteria provided, single submitter. Criteria: Invitae Variant Classification Sherloc (09022015). Collection method: clinical testing. Allele origin: germline.
Comment: This sequence change replaces proline, which is neutral and non-polar, with glutamine, which is neutral and polar, at codon 819 of the CC2D2A protein (p.Pro819Gln). This variant is not present in population databases (gnomAD no frequency). This variant has not been reported in the literature in individuals affected with CC2D2A-related conditions. ClinVar contains an entry for this variant (Variation ID: 939789). Advanced modeling of protein sequence and biophysical properties (such as structural, functional, and spatial information, amino acid conservation, physicochemical variation, residue mobility, and thermodynamic stability) performed at Invitae indicates that this missense variant is expected to disrupt CC2D2A protein function. In summary, the available evidence is currently insufficient to determine the role of this variant in disease. Therefore, it has been classified as a Variant of Uncertain Significance.